The following is an entry in ClinVar:

ClinVar aggregate classification (germline): Uncertain significance. Review status: criteria provided, multiple submitters, no conflicts (2 of 4 stars). 3 submissions from 3 submitters: Uncertain significance (3). Last evaluated 2026-01-08.

Conditions:
Autoinflammation-PLCG2-associated antibody deficiency-immune dysregulation. Also called: Autoinflammation, antibody deficiency, and immune dysregulation, plcg2-associated; AUTOINFLAMMATION, ANTIBODY DEFICIENCY, AND IMMUNE DYSREGULATION; Autoinflammation, antibody deficiency, and immune dysregulation syndrome. Identifiers: Orphanet 324530, MedGen C3553961, MONDO:0013944, OMIM 614878.
Familial cold autoinflammatory syndrome 3 (FCAS3). Also called: FAMILIAL ATYPICAL COLD URTICARIA; ANTIBODY DEFICIENCY AND IMMUNE DYSREGULATION, PLCG2-ASSOCIATED. Identifiers: Orphanet 300359, MedGen C3280914, MONDO:0013766, OMIM 614468.

Allele frequency attached by ClinVar (database versions not stated): ExAC 0.00002.
gnomAD v4.1: 8 of 1,614,202 alleles (0.0005%); highest among the groups gnomAD compares: Admixed American, 0.005%; no homozygotes.

Submissions (3):

Labcorp Genetics (formerly Invitae), Labcorp
Classification: Uncertain significance for Familial cold autoinflammatory syndrome 3. Last evaluated: 2026-01-08. Review status: criteria provided, single submitter. Criteria: Invitae Variant Classification Sherloc (09022015). Collection method: clinical testing. Allele origin: germline.
Comment: This sequence change replaces serine, which is neutral and polar, with arginine, which is basic and polar, at codon 16 of the PLCG2 protein (p.Ser16Arg). This variant is present in population databases (rs752018966, gnomAD 0.006%). This variant has not been reported in the literature in individuals affected with PLCG2-related conditions. ClinVar contains an entry for this variant (Variation ID: 1162792). An algorithm developed to predict the effect of missense changes on protein structure and function (PolyPhen-2) suggests that this variant is likely to be tolerated. In summary, the available evidence is currently insufficient to determine the role of this variant in disease. Therefore, it has been classified as a Variant of Uncertain Significance.

Fulgent Genetics
Classification: Uncertain significance for Familial cold autoinflammatory syndrome 3; Autoinflammation-PLCG2-associated antibody deficiency-immune dysregulation. Last evaluated: 2022-01-07. Review status: criteria provided, single submitter. Criteria: ACMG Guidelines, 2015. Collection method: clinical testing. Allele origin: unknown.

Mayo Clinic Laboratories, Mayo Clinic
Classification: Uncertain significance. Last evaluated: 2020-09-22. Review status: criteria provided, single submitter. Criteria: ACMG Guidelines, 2015. Collection method: clinical testing. Allele origin: germline. Observed: 1 variant allele.

NM_002661.5(PLCG2):c.48C>G (p.Ser16Arg)

Gene: PLCG2 (phospholipase C gamma 2; plus strand). Cytogenetic location: 16q23.3.
Variant type: single nucleotide variant.
Coding change: c.48C>G on transcript NM_002661.5 (MANE Select); coding-DNA position 48, C replaced by G.
Protein change: p.Ser16Arg; replaces serine 16 with arginine.
Molecular consequence: missense variant.
Genome position (GRCh38, 1-based): chr16:81,786,037, C>G. VCF-style: chr16-81786037-C-G. GRCh37 (hg19) VCF-style: chr16-81819642-C-G.
Other names: short protein forms S16R.
Identifiers: ClinVar variation 1162792 (VCV001162792.14), dbSNP rs752018966, ClinGen allele CA8193011.